The following is an entry in ClinVar:

ClinVar aggregate classification (germline): Uncertain significance (1 of 4 stars; one submission).

Allele frequency attached by ClinVar (database versions not stated): gnomAD exomes below 0.00001.

Submission:

GeneDx
Classification: Uncertain significance. Last evaluated: 2019-11-06. Review status: criteria provided, single submitter. Criteria: GeneDx Variant Classification Process June 2021. Collection method: clinical testing. Allele origin: germline. Affected: yes.
Comment: Not observed at a significant frequency in large population cohorts (Lek et al., 2016); In silico analysis, which includes protein predictors and evolutionary conservation, supports that this variant does not alter protein structure/function; Has not been previously published as pathogenic or benign to our knowledge

NM_007254.4(PNKP):c.419T>C (p.Met140Thr)

Gene: PNKP (polynucleotide kinase 3'-phosphatase; minus strand). Cytogenetic location: 19q13.33.
Variant type: single nucleotide variant.
Coding change: c.419T>C on transcript NM_007254.4 (MANE Select); coding-DNA position 419, T replaced by C.
Protein change: p.Met140Thr; replaces methionine 140 with threonine.
Molecular consequence: missense variant.
Genome position (GRCh38, 1-based): chr19:49,865,206, A>G on the plus strand (T>C on the coding strand, the complement: PNKP is on the minus strand). VCF-style: chr19-49865206-A-G. GRCh37 (hg19) VCF-style: chr19-50368463-A-G.
Other names: short protein forms M140T.
Identifiers: ClinVar variation 1190818 (VCV001190818.2), dbSNP rs1174754892, ClinGen allele CA406889136.